The following is an entry in ClinVar:

ClinVar aggregate classification (germline): Uncertain significance (1 of 4 stars; one submission).

Conditions:
Long QT syndrome (LQTS). Identifiers: MedGen C0023976, MeSH D008133, MONDO:0002442. Disease mechanism: loss of function. Inheritance: Various modes of inheritance.

Allele frequency attached by ClinVar (database versions not stated): TOPMed below 0.00001; gnomAD 0.00001.
gnomAD v4.1: 1 of 1,613,386 alleles (0.000062%); highest among the groups gnomAD compares: African/African-American, 0.0013%; no homozygotes.

Submission:

Labcorp Genetics (formerly Invitae), Labcorp
Classification: Uncertain significance for Long QT syndrome. Last evaluated: 2025-02-05. Review status: criteria provided, single submitter. Criteria: Invitae Variant Classification Sherloc (09022015). Collection method: clinical testing. Allele origin: germline.
Comment: This sequence change replaces glycine, which is neutral and non-polar, with glutamic acid, which is acidic and polar, at codon 85 of the ANK2 protein (p.Gly85Glu). This variant is not present in population databases (gnomAD no frequency). This variant has not been reported in the literature in individuals affected with ANK2-related conditions. ClinVar contains an entry for this variant (Variation ID: 1363388). An algorithm developed to predict the effect of missense changes on protein structure and function outputs the following: PolyPhen-2: "Benign". The glutamic acid amino acid residue is found in multiple mammalian species, which suggests that this missense change does not adversely affect protein function. In summary, the available evidence is currently insufficient to determine the role of this variant in disease. Therefore, it has been classified as a Variant of Uncertain Significance.

NM_001148.6(ANK2):c.254G>A (p.Gly85Glu)

Gene: ANK2 (ankyrin 2; plus strand). Cytogenetic location: 4q25.
Variant type: single nucleotide variant.
Coding change: c.254G>A on transcript NM_001148.6 (MANE Select); coding-DNA position 254, G replaced by A.
Protein change: p.Gly85Glu; replaces glycine 85 with glutamic acid.
Molecular consequence: missense variant.
Genome position (GRCh38, 1-based): chr4:113,196,435, G>A. VCF-style: chr4-113196435-G-A. GRCh37 (hg19) VCF-style: chr4-114117591-G-A.
Other names: c.191G>A, p.Gly64Glu (NM_001127493.3, NM_001354239.2, NM_001354243.2 and 33 more transcripts); c.254G>A, p.Gly85Glu (NM_001354225.2, NM_001354228.2, NM_001354232.2 and 9 more transcripts); c.299G>A, p.Gly100Glu (NM_001354230.2, NM_001354231.2, NM_001354237.2 and 5 more transcripts); c.236G>A, p.Gly79Glu (NM_001354261.2, NM_001386147.1, NM_001386160.1); c.242G>A, p.Gly81Glu (NM_001354269.3, NM_001386148.2, NM_001386186.2 and 1 more transcripts); c.305G>A, p.Gly102Glu (NM_001386174.1, NM_001386175.1); short protein forms G100E, G102E, G85E, G79E, G64E, G81E.
Identifiers: ClinVar variation 1363388 (VCV001363388.8), dbSNP rs2098748989, ClinGen allele CA357993515.